The following is an entry in ClinVar:

NM_001267550.2(TTN):c.30794C>A (p.Pro10265Gln)

Gene: TTN (titin; minus strand). Cytogenetic location: 2q31.2.
Variant type: single nucleotide variant.
Coding change: c.30794C>A on transcript NM_001267550.2 (MANE Select); coding-DNA position 30794, C replaced by A.
Protein change: p.Pro10265Gln; replaces proline 10265 with glutamine.
Molecular consequence: missense variant. On other transcripts: intron variant (3).
Genome position (GRCh38, 1-based): chr2:178,697,129, G>T on the plus strand (C>A on the coding strand, the complement: TTN is on the minus strand). VCF-style: chr2-178697129-G-T. GRCh37 (hg19) VCF-style: chr2-179561856-G-T.
Other names: c.29843C>A, p.Pro9948Gln (NM_001256850.1); c.27062C>A, p.Pro9021Gln (NM_133378.4); c.13282+40953C>A (NM_003319.4); c.13858+40953C>A (NM_133437.4); c.13657+40953C>A (NM_133432.3); short protein forms P10265Q, P9021Q, P9948Q.
Identifiers: ClinVar variation 3340197 (VCV003340197.1).

ClinVar aggregate classification (germline): Uncertain significance (1 of 4 stars; one submission).

gnomAD v4.1: 1 of 1,551,584 alleles (0.000064%); highest among the groups gnomAD compares: Non-Finnish European, 0.000087%; no homozygotes.

Submission:

GeneDx
Classification: Uncertain significance. Last evaluated: 2023-07-12. Review status: criteria provided, single submitter. Criteria: GeneDx Variant Classification Process June 2021. Collection method: clinical testing. Allele origin: germline. Affected: yes.
Comment: Not observed at significant frequency in large population cohorts (gnomAD); Missense variant in a gene in which most reported pathogenic variants are truncating/loss of function; Has not been previously published as pathogenic or benign to our knowledge